The following is an entry in ClinVar:

NM_013275.6(ANKRD11):c.2992G>C (p.Glu998Gln)

Gene: ANKRD11 (ankyrin repeat domain containing 11; minus strand). Cytogenetic location: 16q24.3.
Variant type: single nucleotide variant.
Coding change: c.2992G>C on transcript NM_013275.6 (MANE Select); coding-DNA position 2992, G replaced by C.
Protein change: p.Glu998Gln; replaces glutamic acid 998 with glutamine.
Molecular consequence: missense variant.
Genome position (GRCh38, 1-based): chr16:89,283,550, C>G on the plus strand (G>C on the coding strand, the complement: ANKRD11 is on the minus strand). VCF-style: chr16-89283550-C-G. GRCh37 (hg19) VCF-style: chr16-89349958-C-G.
Other names: c.2992G>C, p.Glu998Gln (NM_001256182.2, NM_001256183.2); short protein forms E998Q.
Identifiers: ClinVar variation 1798542 (VCV001798542.2), dbSNP rs747806088, ClinGen allele CA8242455.

ClinVar aggregate classification (germline): Uncertain significance (1 of 4 stars; one submission).

Conditions:
Inborn genetic diseases. Identifiers: MedGen C0950123, MeSH D030342.

Allele frequency attached by ClinVar (database versions not stated): gnomAD exomes below 0.00001; ExAC 0.00001.
gnomAD v4.1: 1 of 1,612,462 alleles (0.000062%); highest among the groups gnomAD compares: Non-Finnish European, 0.000085%; no homozygotes.

Submission:

Ambry Genetics
Classification: Uncertain significance for Inborn genetic diseases. Last evaluated: 2018-08-17. Review status: criteria provided, single submitter. Criteria: Ambry Variant Classification Scheme 2023. Collection method: clinical testing. Allele origin: germline.
Comment: The p.E998Q variant (also known as c.2992G>C), located in coding exon 7 of the ANKRD11 gene, results from a G to C substitution at nucleotide position 2992. The glutamic acid at codon 998 is replaced by glutamine, an amino acid with highly similar properties. This amino acid position is well conserved in available vertebrate species. In addition, this alteration is predicted to be tolerated by in silico analysis. Since supporting evidence is limited at this time, the clinical significance of this alteration remains unclear.